The following is an entry in ClinVar:

ClinVar aggregate classification (germline): Uncertain significance (1 of 4 stars; one submission).

Conditions:
SCAPER-related disorder. Also called: SCAPER-related condition.

Submission:

PreventionGenetics, part of Exact Sciences
Classification: Uncertain significance for SCAPER-related condition. Last evaluated: 2026-01-02. Review status: criteria provided, single submitter. Criteria: ACMG Guidelines, 2015. Collection method: clinical testing. Allele origin: germline.
Comment: The SCAPER c.1225A>G variant is predicted to result in the amino acid substitution p.Met409Val. To our knowledge, this variant has not been reported in the literature. This variant is reported in 0.011% of alleles in individuals of African descent in gnomAD. At this time, the clinical significance of this variant is uncertain due to the absence of conclusive functional and genetic evidence.

NM_020843.4(SCAPER):c.1225A>G (p.Met409Val)

Gene: SCAPER (S-phase cyclin A associated protein in the ER; minus strand). Cytogenetic location: 15q24.3.
Variant type: single nucleotide variant.
Coding change: c.1225A>G on transcript NM_020843.4 (MANE Select); coding-DNA position 1225, A replaced by G.
Protein change: p.Met409Val; replaces methionine 409 with valine.
Molecular consequence: missense variant. On other transcripts: non-coding transcript variant (1).
Genome position (GRCh38, 1-based): chr15:76,771,765, T>C on the plus strand (A>G on the coding strand, the complement: SCAPER is on the minus strand). VCF-style: chr15-76771765-T-C. GRCh37 (hg19) VCF-style: chr15-77064106-T-C.
Other names: c.487A>G, p.Met163Val (NM_001145923.2); c.1225A>G, p.Met409Val (NM_001353009.2); c.823A>G, p.Met275Val (NM_001353010.2, NM_001353011.2, NM_001353012.2); short protein forms M275V, M409V, M163V.
Identifiers: ClinVar variation 4978184 (VCV004978184.1).
Genomic context (GRCh38, chr15:76,771,765, plus strand): 5'-TCTGATAAGTTGTTCTTACCAAGTTAGCAGCACTCACATTTGAAATATCTGAAGGGTCCA[T>C]TTCATTTTCTATCCTTGCTTTCTCTGCTGGAAATTTTTCTTCATTTACTTGTAAAGGAGG-3'
Protein context (NP_065894.2, residues 399-419): PAEKARIENE[Met409Val]DPSDISNSMA